The following is an entry in ClinVar:

NM_000127.3(EXT1):c.972T>A (p.Tyr324Ter)

Gene: EXT1 (exostosin glycosyltransferase 1; minus strand). Cytogenetic location: 8q24.11.
Variant type: single nucleotide variant.
Coding change: c.972T>A on transcript NM_000127.3 (MANE Select); coding-DNA position 972, T replaced by A.
Protein change: p.Tyr324Ter; replaces tyrosine 324 with a stop codon.
Molecular consequence: nonsense.
Genome position (GRCh38, 1-based): chr8:117,837,192, A>T on the plus strand (T>A on the coding strand, the complement: EXT1 is on the minus strand). VCF-style: chr8-117837192-A-T. GRCh37 (hg19) VCF-style: chr8-118849431-A-T.
Other names: short protein forms Y324*.
Identifiers: ClinVar variation 449479 (VCV000449479.2), dbSNP rs1554580158, ClinGen allele CA371893384.

ClinVar aggregate classification (germline): Pathogenic (1 of 4 stars; one submission).

Submission:

GeneDx
Classification: Pathogenic. Last evaluated: 2017-07-14. Review status: criteria provided, single submitter. Criteria: GeneDx Variant Classification (06012015). Collection method: clinical testing. Allele origin: germline. Affected: yes.
Comment: The Y324X variant in the EXT1 gene has not been reported previously as a pathogenic variant nor as a benign variant, to our knowledge. This variant is predicted to cause loss of normal protein function either through protein truncation or nonsense-mediated mRNA decay. The Y324X variant is not observed in large population cohorts (Lek et al., 2016; 1000 Genomes Consortium et al., 2015; Exome Variant Server). Based on currently available evidence, we interpret Y324X to be pathogenic.